The following is an entry in ClinVar:

NM_177438.3(DICER1):c.3599A>G (p.Asn1200Ser)

Gene: DICER1 (dicer 1, ribonuclease III; minus strand). Cytogenetic location: 14q32.13.
Variant type: single nucleotide variant.
Coding change: c.3599A>G on transcript NM_177438.3 (MANE Select); coding-DNA position 3599, A replaced by G.
Protein change: p.Asn1200Ser; replaces asparagine 1200 with serine.
Molecular consequence: missense variant.
Genome position (GRCh38, 1-based): chr14:95,103,797, T>C on the plus strand (A>G on the coding strand, the complement: DICER1 is on the minus strand). VCF-style: chr14-95103797-T-C. GRCh37 (hg19) VCF-style: chr14-95570134-T-C.
Other names: c.3599A>G, p.Asn1200Ser (NM_001195573.1, NM_001271282.3, NM_001291628.2 and 1 more transcripts); short protein forms N1200S.
Identifiers: ClinVar variation 823969 (VCV000823969.13), dbSNP rs1595365849, ClinGen allele CA390874746.

ClinVar aggregate classification (germline): Uncertain significance. Review status: criteria provided, multiple submitters, no conflicts (2 of 4 stars). 2 submissions from 2 submitters: Uncertain significance (2). Last evaluated 2020-12-25.

Conditions:
Hereditary cancer-predisposing syndrome. Also called: Neoplastic Syndromes, Hereditary; Hereditary Cancer Syndrome; Hereditary neoplastic syndrome; Tumor predisposition. Identifiers: Orphanet 140162, MedGen C0027672, MeSH D009386, MONDO:0015356.
DICER1-related tumor predisposition. Also called: DICER1-related pleuropulmonary blastoma cancer predisposition syndrome; DICER1 syndrome. Identifiers: Orphanet 284343, MedGen C3839822, MONDO:0100216.

Submissions (2):

Labcorp Genetics (formerly Invitae), Labcorp
Classification: Uncertain significance for DICER1-related tumor predisposition. Last evaluated: 2020-12-25. Review status: criteria provided, single submitter. Criteria: Invitae Variant Classification Sherloc (09022015). Collection method: clinical testing. Allele origin: germline.
Comment: In summary, the available evidence is currently insufficient to determine the role of this variant in disease. Therefore, it has been classified as a Variant of Uncertain Significance. Algorithms developed to predict the effect of missense changes on protein structure and function (SIFT, PolyPhen-2, Align-GVGD) all suggest that this variant is likely to be tolerated, but these predictions have not been confirmed by published functional studies and their clinical significance is uncertain. This variant has not been reported in the literature in individuals with DICER1-related conditions. ClinVar contains an entry for this variant (Variation ID: 823969). This variant is not present in population databases (ExAC no frequency). This sequence change replaces asparagine with serine at codon 1200 of the DICER1 protein (p.Asn1200Ser). The asparagine residue is moderately conserved and there is a small physicochemical difference between asparagine and serine.

Ambry Genetics
Classification: Uncertain significance for Hereditary cancer-predisposing syndrome. Last evaluated: 2019-09-28. Review status: criteria provided, single submitter. Criteria: Ambry Variant Classification Scheme 2023. Collection method: clinical testing. Allele origin: germline.
Comment: The p.N1200S variant (also known as c.3599A>G), located in coding exon 20 of the DICER1 gene, results from an A to G substitution at nucleotide position 3599. The asparagine at codon 1200 is replaced by serine, an amino acid with highly similar properties. This amino acid position is not well conserved in available vertebrate species. In addition, this alteration is predicted to be tolerated by in silico analysis. Since supporting evidence is limited at this time, the clinical significance of this alteration remains unclear.